The following is an entry in ClinVar:

NM_003200.5(TCF3):c.1216A>G (p.Ser406Gly)

Gene: TCF3 (transcription factor 3; minus strand). Cytogenetic location: 19p13.3.
Variant type: single nucleotide variant.
Coding change: c.1216A>G on transcript NM_003200.5 (MANE Select); coding-DNA position 1216, A replaced by G.
Protein change: p.Ser406Gly; replaces serine 406 with glycine.
Molecular consequence: missense variant.
Genome position (GRCh38, 1-based): chr19:1,619,426, T>C on the plus strand (A>G on the coding strand, the complement: TCF3 is on the minus strand). VCF-style: chr19-1619426-T-C. GRCh37 (hg19) VCF-style: chr19-1619425-T-C.
Other names: c.1216A>G, p.Ser406Gly (NM_001136139.4, NM_001351779.2); c.1213A>G, p.Ser405Gly (NM_001351778.2); short protein forms S405G, S406G.
Identifiers: ClinVar variation 2823291 (VCV002823291.3), dbSNP rs2513490624, ClinGen allele CA403053324.

ClinVar aggregate classification (germline): Uncertain significance (1 of 4 stars; one submission).

Allele frequency attached by ClinVar (database versions not stated): gnomAD exomes below 0.00001.
gnomAD v4.1: 1 of 1,590,510 alleles (0.000063%); highest among the groups gnomAD compares: Non-Finnish European, 0.000085%; no homozygotes.

Submission:

Labcorp Genetics (formerly Invitae), Labcorp
Classification: Uncertain significance. Last evaluated: 2022-12-22. Review status: criteria provided, single submitter. Criteria: Invitae Variant Classification Sherloc (09022015). Collection method: clinical testing. Allele origin: germline.
Comment: In summary, the available evidence is currently insufficient to determine the role of this variant in disease. Therefore, it has been classified as a Variant of Uncertain Significance. This sequence change replaces serine, which is neutral and polar, with glycine, which is neutral and non-polar, at codon 406 of the TCF3 protein (p.Ser406Gly). This variant is not present in population databases (gnomAD no frequency). This variant has not been reported in the literature in individuals affected with TCF3-related conditions. Advanced modeling of protein sequence and biophysical properties (such as structural, functional, and spatial information, amino acid conservation, physicochemical variation, residue mobility, and thermodynamic stability) performed at Invitae indicates that this missense variant is not expected to disrupt TCF3 protein function.